The following is an entry in ClinVar:

ClinVar aggregate classification (germline): Pathogenic (1 of 4 stars; one submission).

Submission:

Labcorp Genetics (formerly Invitae), Labcorp
Classification: Pathogenic. Last evaluated: 2023-10-23. Review status: criteria provided, single submitter. Criteria: Invitae Variant Classification Sherloc (09022015). Collection method: clinical testing. Allele origin: germline.
Comment: This variant is a gross deletion of the genomic region encompassing exon(s) 1 of the DOCK6 gene, which includes the initiator codon. This deletion extends beyond the assayed region for this gene and therefore may encompass additional genes. It is expected to result in an absent or disrupted protein product. Loss-of-function variants in DOCK6 are known to be pathogenic (PMID: 21820096, 25824905). This variant has not been reported in the literature in individuals affected with DOCK6-related conditions. For these reasons, this variant has been classified as Pathogenic.

Literature cited by the submitters: PubMed 21820096; PubMed 25824905.

NC_000019.9:g.(?_11373053)_(11373116_?)del

Gene: DOCK6 (dedicator of cytokinesis 6; minus strand). Cytogenetic location: 19p13.2.
Variant type: Deletion.
Identifiers: ClinVar variation 2426619 (VCV002426619.4).